The following is an entry in ClinVar:

NM_021076.4(NEFH):c.851A>C (p.Gln284Pro)

Gene: NEFH (neurofilament heavy chain; plus strand). Cytogenetic location: 22q12.2.
Variant type: single nucleotide variant.
Coding change: c.851A>C on transcript NM_021076.4 (MANE Select); coding-DNA position 851, A replaced by C.
Protein change: p.Gln284Pro; replaces glutamine 284 with proline.
Molecular consequence: missense variant.
Genome position (GRCh38, 1-based): chr22:29,481,113, A>C. VCF-style: chr22-29481113-A-C. GRCh37 (hg19) VCF-style: chr22-29877102-A-C.
Other names: c.851A>C (NM_021076.3); short protein forms Q284P.
Identifiers: ClinVar variation 1898520 (VCV001898520.6), dbSNP rs746595090, ClinGen allele CA10174042.

ClinVar aggregate classification (germline): Uncertain significance. Review status: criteria provided, multiple submitters, no conflicts (2 of 4 stars). 2 submissions from 2 submitters: Uncertain significance (2). Last evaluated 2023-12-18.

Conditions:
Inborn genetic diseases. Identifiers: MedGen C0950123, MeSH D030342.

Submissions (2):

Ambry Genetics
Classification: Uncertain significance for Inborn genetic diseases. Last evaluated: 2023-12-18. Review status: criteria provided, single submitter. Criteria: Ambry Variant Classification Scheme 2023. Collection method: clinical testing. Allele origin: germline.

Labcorp Genetics (formerly Invitae), Labcorp
Classification: Uncertain significance. Last evaluated: 2022-09-03. Review status: criteria provided, single submitter. Criteria: Invitae Variant Classification Sherloc (09022015). Collection method: clinical testing. Allele origin: germline.
Comment: In summary, the available evidence is currently insufficient to determine the role of this variant in disease. Therefore, it has been classified as a Variant of Uncertain Significance. Advanced modeling of protein sequence and biophysical properties (such as structural, functional, and spatial information, amino acid conservation, physicochemical variation, residue mobility, and thermodynamic stability) performed at Invitae indicates that this missense variant is not expected to disrupt NEFH protein function. This variant has not been reported in the literature in individuals affected with NEFH-related conditions. This variant is present in population databases (rs746595090, gnomAD 0.002%). This sequence change replaces glutamine, which is neutral and polar, with proline, which is neutral and non-polar, at codon 284 of the NEFH protein (p.Gln284Pro).